The following is an entry in ClinVar:

NM_000404.4(GLB1):c.572G>T (p.Ser191Ile)

Gene: GLB1 (galactosidase beta 1; minus strand). Cytogenetic location: 3p22.3.
Variant type: single nucleotide variant.
Coding change: c.572G>T on transcript NM_000404.4 (MANE Select); coding-DNA position 572, G replaced by T.
Protein change: p.Ser191Ile; replaces serine 191 with isoleucine.
Molecular consequence: missense variant. On other transcripts: intron variant (1).
Genome position (GRCh38, 1-based): chr3:33,058,250, C>A on the plus strand (G>T on the coding strand, the complement: GLB1 is on the minus strand). VCF-style: chr3-33058250-C-A. GRCh37 (hg19) VCF-style: chr3-33099742-C-A.
Other names: c.482G>T, p.Ser161Ile (NM_001079811.3); c.716G>T, p.Ser239Ile (NM_001317040.2); c.572G>T, p.Ser191Ile (NM_001393580.1); c.341-4701G>T (NM_001135602.3); short protein forms S161I, S239I, S191I.
Identifiers: ClinVar variation 2953563 (VCV002953563.4), dbSNP rs1553611055, ClinGen allele CA352004830.
Genomic context (GRCh38, chr3:33,058,250, plus strand): 5'-AGATGGTGGCGAAAGCGCTTCTGCAGGAAGCGCAGGTAGTCAAAATCACAGGCAAAGTAG[C>A]TGCCATATTCATTTTCAACCTGTGAGTGAAAAAAGAGCAGGGAAAAATGAGGAGATCCTA-3'
Protein context (NP_000395.3, residues 181-201): ITVQVENEYG[Ser191Ile]YFACDFDYLR

ClinVar aggregate classification (germline): Conflicting classifications of pathogenicity. Review status: criteria provided, conflicting classifications (1 of 4 stars). 2 submissions from 2 submitters: Likely pathogenic (1); Uncertain significance (1). Last evaluated 2026-03-06.

Conditions:
Mucopolysaccharidosis, MPS-IV-B (MPS4B). Also called: Mucopolysaccharidosis type 4B; Mucopolysaccharidosis type IVB (Morquio); MPS IVB; MORQUIO SYNDROME B; Mucopolysaccharidosis type IV B; Mucopolysaccharidosis Type IVB. Identifiers: Orphanet 309310, Orphanet 582, MedGen C0086652, MONDO:0009660, OMIM 253010.
GM1 gangliosidosis. Identifiers: Orphanet 354, MedGen C0085131, MONDO:0018149.

Submissions (2):

Women's Health and Genetics/Laboratory Corporation of America, LabCorp
Classification: Uncertain significance. Last evaluated: 2026-03-06. Review status: criteria provided, single submitter. Criteria: LabCorp Variant Classification Summary - May 2015. Collection method: clinical testing. Allele origin: germline.
Comment: Variant summary: GLB1 c.572G>T (p.Ser191Ile) results in a non-conservative amino acid change in the encoded protein sequence. Algorithms developed to predict the effect of missense changes on protein structure and function all suggest that this variant is likely to be disruptive. The variant was absent in 246868 control chromosomes. The available data on variant occurrences in the general population are insufficient to allow any conclusion about variant significance. To our knowledge, no occurrence of c.572G>T in individuals affected with GLB1-related conditions and no experimental evidence demonstrating its impact on protein function have been reported. ClinVar contains an entry for this variant (Variation ID: 2953563). Based on the evidence outlined above, the variant was classified as uncertain significance.

Labcorp Genetics (formerly Invitae), Labcorp
Classification: Likely pathogenic for Mucopolysaccharidosis, MPS-IV-B; GM1 gangliosidosis. Last evaluated: 2026-01-13. Review status: criteria provided, single submitter. Criteria: Invitae Variant Classification Sherloc (09022015). Collection method: clinical testing. Allele origin: germline.
Comment: This sequence change replaces serine, which is neutral and polar, with isoleucine, which is neutral and non-polar, at codon 191 of the GLB1 protein (p.Ser191Ile). This variant is not present in population databases (gnomAD no frequency). This variant has not been reported in the literature in individuals affected with GLB1-related conditions. ClinVar contains an entry for this variant (Variation ID: 2953563). Invitae Evidence Modeling of protein sequence and biophysical properties (such as structural, functional, and spatial information, amino acid conservation, physicochemical variation, residue mobility, and thermodynamic stability) indicates that this missense variant is expected to disrupt GLB1 protein function with a positive predictive value of 95%. This variant disrupts the p.Ser191 amino acid residue in GLB1. Other variant(s) that disrupt this residue have been determined to be pathogenic (PMID: 21497194, 32779865). This suggests that this residue is clinically significant, and that variants that disrupt this residue are likely to be disease-causing. In summary, the currently available evidence indicates that the variant is pathogenic, but additional data are needed to prove that conclusively. Therefore, this variant has been classified as Likely Pathogenic.

Literature cited by the submitters: PubMed 21497194 (cited by Labcorp Genetics (formerly Invitae), Labcorp); PubMed 32779865 (cited by Labcorp Genetics (formerly Invitae), Labcorp).